The following is an entry in ClinVar:

ClinVar aggregate classification (germline): Uncertain significance (1 of 4 stars; one submission).

Conditions:
Dyskeratosis congenita. Identifiers: Orphanet 1775, MedGen C0265965, MONDO:0015780.

Submission:

Labcorp Genetics (formerly Invitae), Labcorp
Classification: Uncertain significance for Dyskeratosis congenita. Last evaluated: 2025-05-12. Review status: criteria provided, single submitter. Criteria: Invitae Variant Classification Sherloc (09022015). Collection method: clinical testing. Allele origin: germline.
Comment: This sequence change replaces glutamic acid, which is acidic and polar, with glycine, which is neutral and non-polar, at codon 577 of the CTC1 protein (p.Glu577Gly). This variant is not present in population databases (gnomAD no frequency). This variant has not been reported in the literature in individuals affected with CTC1-related conditions. ClinVar contains an entry for this variant (Variation ID: 2813306). Invitae Evidence Modeling of protein sequence and biophysical properties (such as structural, functional, and spatial information, amino acid conservation, physicochemical variation, residue mobility, and thermodynamic stability) indicates that this missense variant is not expected to disrupt CTC1 protein function with a negative predictive value of 80%. In summary, the available evidence is currently insufficient to determine the role of this variant in disease. Therefore, it has been classified as a Variant of Uncertain Significance.

NM_025099.6(CTC1):c.1730A>G (p.Glu577Gly)

Gene: CTC1 (CST telomere replication complex component 1; minus strand). Cytogenetic location: 17p13.1.
Variant type: single nucleotide variant.
Coding change: c.1730A>G on transcript NM_025099.6 (MANE Select); coding-DNA position 1730, A replaced by G.
Protein change: p.Glu577Gly; replaces glutamic acid 577 with glycine.
Molecular consequence: missense variant. On other transcripts: non-coding transcript variant (1).
Genome position (GRCh38, 1-based): chr17:8,234,543, T>C on the plus strand (A>G on the coding strand, the complement: CTC1 is on the minus strand). VCF-style: chr17-8234543-T-C. GRCh37 (hg19) VCF-style: chr17-8137861-T-C.
Other names: c.1730A>G, p.Glu577Gly (NM_001411067.1); short protein forms E577G.
Identifiers: ClinVar variation 2813306 (VCV002813306.3), dbSNP rs2507917881, ClinGen allele CA397982873.